The following is an entry in ClinVar:

ClinVar aggregate classification (germline): Uncertain significance (1 of 4 stars; one submission).

Conditions:
Hereditary cancer-predisposing syndrome. Also called: Hereditary Cancer Syndrome; Tumor predisposition; Hereditary neoplastic syndrome; Neoplastic Syndromes, Hereditary. Identifiers: Orphanet 140162, MedGen C0027672, MeSH D009386, MONDO:0015356.

Submission:

Labcorp Genetics (formerly Invitae), Labcorp
Classification: Uncertain significance for Hereditary cancer-predisposing syndrome. Last evaluated: 2020-09-05. Review status: criteria provided, single submitter. Criteria: Invitae Variant Classification Sherloc (09022015). Collection method: clinical testing. Allele origin: germline.
Comment: This sequence change replaces aspartic acid with tyrosine at codon 1272 of the RAD50 protein (p.Asp1272Tyr). The aspartic acid residue is moderately conserved and there is a large physicochemical difference between aspartic acid and tyrosine. This variant is not present in population databases (ExAC no frequency). This variant has not been reported in the literature in individuals with RAD50-related conditions. Algorithms developed to predict the effect of missense changes on protein structure and function are either unavailable or do not agree on the potential impact of this missense change (SIFT: "Tolerated"; PolyPhen-2: "Probably Damaging"; Align-GVGD: "Class C0"). In summary, the available evidence is currently insufficient to determine the role of this variant in disease. Therefore, it has been classified as a Variant of Uncertain Significance.

NM_005732.4(RAD50):c.3814G>T (p.Asp1272Tyr)

Genes: TH2LCRR (T helper type 2 locus control region associated RNA; minus strand), RAD50 (RAD50 double strand break repair protein; plus strand). Cytogenetic location: 5q31.1.
Variant type: single nucleotide variant.
Coding change: c.3814G>T on transcript NM_005732.4 (MANE Select); coding-DNA position 3814, G replaced by T.
Protein change: p.Asp1272Tyr; replaces aspartic acid 1272 with tyrosine.
Molecular consequence: missense variant. On other transcripts: non-coding transcript variant (1).
Genome position (GRCh38, 1-based): chr5:132,642,239, G>T. VCF-style: chr5-132642239-G-T. GRCh37 (hg19) VCF-style: chr5-131977931-G-T.
Other names: short protein forms D1272Y.
Identifiers: ClinVar variation 1042902 (VCV001042902.9), dbSNP rs753091579, ClinGen allele CA360936580.